The following is an entry in ClinVar:

NM_001987.5(ETV6):c.1279A>G (p.Met427Val)

Gene: ETV6 (ETS variant transcription factor 6; plus strand). Cytogenetic location: 12p13.2.
Variant type: single nucleotide variant.
Coding change: c.1279A>G on transcript NM_001987.5 (MANE Select); coding-DNA position 1279, A replaced by G.
Protein change: p.Met427Val; replaces methionine 427 with valine.
Molecular consequence: missense variant. On other transcripts: 3 prime UTR variant (1).
Genome position (GRCh38, 1-based): chr12:11,890,966, A>G. VCF-style: chr12-11890966-A-G. GRCh37 (hg19) VCF-style: chr12-12043900-A-G.
Other names: c.1276A>G, p.Met426Val (NM_001413913.1); c.1252A>G, p.Met418Val (NM_001413914.1); c.1015A>G, p.Met339Val (NM_001413915.1); c.*18A>G (NM_001413917.1); short protein forms M418V, M339V, M426V, M427V.
Identifiers: ClinVar variation 4251474 (VCV004251474.1).

ClinVar aggregate classification (germline): Uncertain significance (1 of 4 stars; one submission).

Conditions:
Inborn genetic diseases. Identifiers: MedGen C0950123, MeSH D030342.

gnomAD v4.1: 3 of 1,613,856 alleles (0.00019%); highest among the groups gnomAD compares: Non-Finnish European, 0.00017%; no homozygotes.

Submission:

Ambry Genetics
Classification: Uncertain significance for Inborn genetic diseases. Last evaluated: 2025-08-11. Review status: criteria provided, single submitter. Criteria: Ambry Variant Classification Scheme 2023. Collection method: clinical testing. Allele origin: germline.
Comment: The p.M427V variant (also known as c.1279A>G), located in coding exon 8 of the ETV6 gene, results from an A to G substitution at nucleotide position 1279. The methionine at codon 427 is replaced by valine, an amino acid with highly similar properties. This amino acid position is conserved. In addition, the in silico prediction for this alteration is inconclusive. Based on the available evidence, the clinical significance of this variant remains unclear.